The following is an entry in ClinVar:

NM_013382.7(POMT2):c.2146A>T (p.Ser716Cys)

Gene: POMT2 (protein O-mannosyltransferase 2; minus strand). Cytogenetic location: 14q24.3.
Variant type: single nucleotide variant.
Coding change: c.2146A>T on transcript NM_013382.7 (MANE Select); coding-DNA position 2146, A replaced by T.
Protein change: p.Ser716Cys; replaces serine 716 with cysteine.
Molecular consequence: missense variant.
Genome position (GRCh38, 1-based): chr14:77,278,395, T>A on the plus strand (A>T on the coding strand, the complement: POMT2 is on the minus strand). VCF-style: chr14-77278395-T-A. GRCh37 (hg19) VCF-style: chr14-77744738-T-A.
Other names: short protein forms S716C.
Identifiers: ClinVar variation 2088558 (VCV002088558.4), dbSNP rs1197893690, ClinGen allele CA390513283.

ClinVar aggregate classification (germline): Uncertain significance (1 of 4 stars; one submission).

Conditions:
Muscular dystrophy-dystroglycanopathy (congenital with brain and eye anomalies), type A2. Also called: MUSCULAR DYSTROPHY-DYSTROGLYCANOPATHY (CONGENITAL WITH BRAIN AND EYE ANOMALIES), TYPE A, 2; WALKER-WARBURG SYNDROME OR MUSCLE-EYE-BRAIN DISEASE, POMT2-RELATED. Identifiers: Orphanet 588, Orphanet 899, MedGen C3150411, MONDO:0013154, OMIM 613150.
Autosomal recessive limb-girdle muscular dystrophy type 2N. Also called: MUSCULAR DYSTROPHY-DYSTROGLYCANOPATHY, LIMB-GIRDLE, POMT2-RELATED; Muscular dystrophy-dystroglycanopathy (limb-girdle), type C, 2. Identifiers: Orphanet 206559, MedGen C3150418, MONDO:0013162, OMIM 613158.
Muscular dystrophy-dystroglycanopathy (congenital with impaired intellectual development), type B, 2. Also called: Muscular dystrophy-dystroglycanopathy (congenital with intellectual disability), type B2; MUSCULAR DYSTROPHY, CONGENITAL, POMT2-RELATED. Identifiers: MedGen C3150416, MONDO:0013160, OMIM 613156.

Allele frequency attached by ClinVar (database versions not stated): TOPMed below 0.00001.

Submission:

Labcorp Genetics (formerly Invitae), Labcorp
Classification: Uncertain significance for Muscular dystrophy-dystroglycanopathy (congenital with impaired intellectual development), type B, 2; Muscular dystrophy-dystroglycanopathy (congenital with brain and eye anomalies), type A2; Autosomal recessive limb-girdle muscular dystrophy type 2N. Last evaluated: 2022-01-21. Review status: criteria provided, single submitter. Criteria: Invitae Variant Classification Sherloc (09022015). Collection method: clinical testing. Allele origin: germline.
Comment: Algorithms developed to predict the effect of sequence changes on RNA splicing suggest that this variant may disrupt the consensus splice site. In summary, the available evidence is currently insufficient to determine the role of this variant in disease. Therefore, it has been classified as a Variant of Uncertain Significance. Algorithms developed to predict the effect of missense changes on protein structure and function (SIFT, PolyPhen-2, Align-GVGD) all suggest that this variant is likely to be tolerated. This variant has not been reported in the literature in individuals affected with POMT2-related conditions. This variant is present in population databases (no rsID available, gnomAD 0.01%). This sequence change replaces serine, which is neutral and polar, with cysteine, which is neutral and slightly polar, at codon 716 of the POMT2 protein (p.Ser716Cys).